The following is an entry in ClinVar:

NM_022455.5(NSD1):c.4966+1G>A

Gene: NSD1 (nuclear receptor binding SET domain protein 1; plus strand). Cytogenetic location: 5q35.3.
Variant type: single nucleotide variant.
Coding change: c.4966+1G>A on transcript NM_022455.5 (MANE Select); the canonical splice donor site of the intron after coding-DNA position 4966, G replaced by A.
Molecular consequence: splice donor variant.
Genome position (GRCh38, 1-based): chr5:177,257,152, G>A. VCF-style: chr5-177257152-G-A. GRCh37 (hg19) VCF-style: chr5-176684153-G-A.
Other names: c.4966+1G>A (NM_001409301.1, NM_001409302.1, NM_001409303.1); c.4546+1G>A (NM_001409304.1); c.4213+1G>A (NM_001409305.1); c.4204+1G>A (NM_001409306.1, NM_001409307.1); c.4093+1G>A (NM_001409308.1, NM_172349.5, NM_001409309.1 and 1 more transcripts).
Identifiers: ClinVar variation 159352 (VCV000159352.8), dbSNP rs587784131, ClinGen allele CA294922.
Genomic context (GRCh38, chr5:177,257,152, plus strand): 5'-CCCTCCACATCTGTATAACCTGTCATGCTGCTAATCCAGCCAATGTTTCTGCATCTAAAG[G>A]TATGGATTTCTTATGTGGACCAGTCTAATTGTAAAACCTCAGTTTAATTGGCAACAGATA-3'

ClinVar aggregate classification (germline): Pathogenic. Review status: criteria provided, multiple submitters, no conflicts (2 of 4 stars). 2 submissions from 2 submitters: Pathogenic (2). Last evaluated 2022-05-31.

Conditions:
Sotos syndrome (SOTOS). Also called: Distinctive facial appearance, overgrowth in childhood, and learning disabilities or delayed development; CEREBRAL GIGANTISM; Sotos' syndrome; CHROMOSOME 5q35 DELETION SYNDROME; SOTOS SYNDROME 1. Identifiers: Orphanet 821, MedGen C0175695, MONDO:0019349, OMIM 117550.

Submissions (2):

Centre of Medical Genetics, University Hospital Muenster
Classification: Pathogenic. Last evaluated: 2022-05-31. Review status: criteria provided, single submitter. Criteria: ACMG Guidelines, 2015. Collection method: clinical testing. Allele origin: unknown. Affected: yes. Observed: 1 variant allele, 1 heterozygote.
Comment: ACMG categories: PVS1,PM2,PP5

Genetic Services Laboratory, University of Chicago
Classification: Pathogenic for Sotos syndrome 1. Last evaluated: 2013-02-08. Review status: criteria provided, single submitter. Criteria: ACMG Guidelines, 2007. Collection method: clinical testing. Allele origin: germline. Inheritance: Autosomal dominant inheritance. Affected: yes.